The following is an entry in ClinVar:

NM_173630.4(RTTN):c.4565-6_4565-4del

Gene: RTTN (rotatin; minus strand). Cytogenetic location: 18q22.2.
Variant type: Microsatellite.
Coding change: c.4565-6_4565-4del on transcript NM_173630.4 (MANE Select); 6 bases into the intron before coding-DNA position 4565 through 4 bases into the intron before coding-DNA position 4565, 3 bases deleted (TTG; older notation c.4565-6_4565-4delTTG).
Molecular consequence: intron variant.
Genome position (GRCh38, 1-based): chr18:70,073,998-70,074,000, CAA deleted on the plus strand (TTG on the coding strand, the reverse complement: RTTN is on the minus strand); deleting any 3 consecutive bases within chr18:70,073,998-70,074,004 gives the same sequence; the c. name uses the placement nearest the transcript's 3' end. VCF-style (leftmost placement, unchanged base first): chr18-70073997-GCAA-G. GRCh37 (hg19) VCF-style: chr18-67741233-GCAA-G.
Other names: c.4565-6_4565-4del (NM_173630.3); c.1829-6_1829-4del (NM_001318520.2).
Identifiers: ClinVar variation 422766 (VCV000422766.45), dbSNP rs775033795, ClinGen allele CA8995203.

ClinVar aggregate classification (germline): Likely benign. Review status: criteria provided, multiple submitters, no conflicts (2 of 4 stars). 6 submissions from 6 submitters: Likely benign (5). 1 of the submissions does not count toward it. Last evaluated 2026-03-31.

Conditions:
RTTN-related disorder. Also called: RTTN-related condition.
Inborn genetic diseases. Identifiers: MedGen C0950123, MeSH D030342.

Submissions (6):

Ambry Genetics
Classification: Likely benign for Inborn genetic diseases. Last evaluated: 2026-03-31. Review status: criteria provided, single submitter. Criteria: Ambry Variant Classification Scheme 2023. Collection method: clinical testing. Allele origin: germline.

Labcorp Genetics (formerly Invitae), Labcorp
Classification: Likely benign. Last evaluated: 2025-12-29. Review status: criteria provided, single submitter. Criteria: Invitae Variant Classification Sherloc (09022015). Collection method: clinical testing. Allele origin: germline.

CeGaT Center for Human Genetics Tuebingen
Classification: Likely benign. Last evaluated: 2025-12-01. Review status: criteria provided, single submitter. Criteria: CeGaT Center For Human Genetics Tuebingen Variant Classification Criteria Version 2. Collection method: clinical testing. Allele origin: germline. Affected: yes. Observed: 2 variant alleles.
Comment: RTTN: BP4

Blueprint Genetics
Classification: Likely benign. Last evaluated: 2024-11-26. Review status: criteria provided, single submitter. Criteria: ACMG Guidelines, 2015. Collection method: clinical testing. Allele origin: germline.

GeneDx
Classification: Likely benign. Last evaluated: 2020-05-07. Review status: criteria provided, single submitter. Criteria: GeneDx Variant Classification Process June 2021. Collection method: clinical testing. Allele origin: germline. Affected: yes.

PreventionGenetics, part of Exact Sciences
Classification: Likely benign for RTTN-related condition. Last evaluated: 2022-11-07. Review status: no assertion criteria provided. Collection method: clinical testing. Allele origin: germline. Not counted in ClinVar's aggregate classification.
Comment: This variant is classified as likely benign based on ACMG/AMP sequence variant interpretation guidelines (Richards et al. 2015 PMID: 25741868, with internal and published modifications).